The following is an entry in ClinVar:

NM_198576.4(AGRN):c.4337C>T (p.Ala1446Val)

Gene: AGRN (agrin; plus strand). Cytogenetic location: 1p36.33.
Variant type: single nucleotide variant.
Coding change: c.4337C>T on transcript NM_198576.4 (MANE Select); coding-DNA position 4337, C replaced by T.
Protein change: p.Ala1446Val; replaces alanine 1446 with valine.
Molecular consequence: missense variant.
Genome position (GRCh38, 1-based): chr1:1,049,274, C>T. VCF-style: chr1-1049274-C-T. GRCh37 (hg19) VCF-style: chr1-984654-C-T.
Other names: c.4337C>T, p.Ala1446Val (NM_001305275.2); c.4022C>T, p.Ala1341Val (NM_001364727.2); short protein forms A1341V, A1446V.
Identifiers: ClinVar variation 1404730 (VCV001404730.8), dbSNP rs1027231298, ClinGen allele CA16700518.
Genomic context (GRCh38, chr1:1,049,274, plus strand): 5'-GAGCACCTGCTCCTGCCCTCAGGTTTGACACAGGTTCGGGGCCGGCGGTGCTGACCAGTG[C>T]CGTGCCGGTAGAGCCGGGCCAGTGGCACCGCCTGGAGCTGTCCCGGCACTGGCGCCGGGG-3'
Protein context (NP_940978.2, residues 1436-1456): TGSGPAVLTS[Ala1446Val]VPVEPGQWHR

ClinVar aggregate classification (germline): Uncertain significance (1 of 4 stars; one submission).

Conditions:
Congenital myasthenic syndrome 8. Also called: Myasthenic syndrome, congenital, 8, with pre- and postsynaptic defects; MYASTHENIC SYNDROME, CONGENITAL, DUE TO AGRIN DEFICIENCY. Identifiers: Orphanet 590, MedGen C3808739, MONDO:0014052, OMIM 615120.

Allele frequency attached by ClinVar (database versions not stated): gnomAD 0.00001; gnomAD exomes 0.00001; TOPMed 0.00001.
gnomAD v4.1: 12 of 1,594,922 alleles (0.00075%); highest among the groups gnomAD compares: South Asian, 0.0011%; no homozygotes.

Submission:

Labcorp Genetics (formerly Invitae), Labcorp
Classification: Uncertain significance for Congenital myasthenic syndrome 8. Last evaluated: 2021-04-06. Review status: criteria provided, single submitter. Criteria: Invitae Variant Classification Sherloc (09022015). Collection method: clinical testing. Allele origin: germline.
Comment: This variant has not been reported in the literature in individuals with AGRN-related conditions. This variant is not present in population databases (ExAC no frequency). This sequence change replaces alanine with valine at codon 1446 of the AGRN protein (p.Ala1446Val). The alanine residue is weakly conserved and there is a small physicochemical difference between alanine and valine. Algorithms developed to predict the effect of missense changes on protein structure and function (SIFT, PolyPhen-2, Align-GVGD) all suggest that this variant is likely to be tolerated, but these predictions have not been confirmed by published functional studies and their clinical significance is uncertain. In summary, the available evidence is currently insufficient to determine the role of this variant in disease. Therefore, it has been classified as a Variant of Uncertain Significance.